The following is an entry in ClinVar:

NM_206965.2(FTCD):c.1082_1083insTCGGC (p.Ala362fs)

Gene: FTCD (formimidoyltransferase cyclodeaminase; minus strand). Cytogenetic location: 21q22.3.
Variant type: Insertion.
Coding change: c.1082_1083insTCGGC on transcript NM_206965.2 (MANE Select); coding-DNA positions 1082 to 1083, TCGGC inserted.
Protein change: p.Ala362fs; shifts the reading frame from alanine 362.
Molecular consequence: frameshift variant.
Genome position: GRCh38 VCF-style: chr21-46145833-C-CGCCGA. GRCh37 (hg19) VCF-style: chr21-47565747-C-CGCCGA.
Other names: c.1082_1083insTCGGC, p.Ala362fs (NM_001320412.2, NM_006657.3); short protein forms A362fs.
Identifiers: ClinVar variation 3651263 (VCV003651263.2).
Genomic context (GRCh38, chr21:46,145,833, plus strand): 5'-TCCCCCCAACAACTGCGCCTCCCCTGCCCCTCCCCCCGCGCTCACCATGGCCGCAGCGGC[C>CGCCGA]GCCGCCACCGAGCCGCCCCCGGGGGCCGCAGAGCGGGCACCCACCTCCCCCACGAAGGCG-3'

ClinVar aggregate classification (germline): Pathogenic (1 of 4 stars; one submission).

Conditions:
Glutamate formiminotransferase deficiency. Also called: Formiminoglutamic aciduria; Arakawa syndrome 1. Identifiers: Orphanet 51208, MedGen C0268609, MONDO:0009240, OMIM 229100.

Submission:

Labcorp Genetics (formerly Invitae), Labcorp
Classification: Pathogenic for Glutamate formiminotransferase deficiency. Last evaluated: 2024-10-29. Review status: criteria provided, single submitter. Criteria: Invitae Variant Classification Sherloc (09022015). Collection method: clinical testing. Allele origin: germline.
Comment: This sequence change creates a premature translational stop signal (p.Ala362Argfs*18) in the FTCD gene. It is expected to result in an absent or disrupted protein product. Loss-of-function variants in FTCD are known to be pathogenic (PMID: 29178637, 30740726). The frequency data for this variant in the population databases is considered unreliable, as metrics indicate insufficient coverage at this position in the gnomAD database. This variant has not been reported in the literature in individuals affected with FTCD-related conditions. For these reasons, this variant has been classified as Pathogenic.

Literature cited by the submitters: PubMed 29178637; PubMed 30740726.